The following is an entry in ClinVar:

ClinVar aggregate classification (germline): Pathogenic (1 of 4 stars; one submission).

Submission:

GeneDx
Classification: Pathogenic. Last evaluated: 2019-08-16. Review status: criteria provided, single submitter. Criteria: GeneDx Variant Classification Process June 2021. Collection method: clinical testing. Allele origin: germline. Affected: yes.
Comment: Frameshift variant predicted to result in protein truncation or nonsense mediated decay in a gene for which loss-of-function is a known mechanism of disease; Not observed in large population cohorts (Lek et al., 2016); Has not been previously published as pathogenic or benign to our knowledge

NM_001368894.2(PAX6):c.54del (p.Arg19fs)

Gene: PAX6 (paired box 6; minus strand). Cytogenetic location: 11p13.
Variant type: Deletion.
Coding change: c.54del on transcript NM_001368894.2 (MANE Select); coding-DNA position 54, one base deleted (G; older notation c.54delG).
Protein change: p.Arg19fs; shifts the reading frame from arginine 19.
Molecular consequence: frameshift variant. On other transcripts: 5 prime UTR variant (12), non-coding transcript variant (2), intron variant (2).
Genome position (GRCh38, 1-based): chr11:31,802,791, C deleted on the plus strand (G on the coding strand, the reverse complement: PAX6 is on the minus strand); the first of 3 consecutive C bases (chr11:31,802,791-31,802,793); deleting any one gives the same sequence. VCF-style (leftmost placement, unchanged base first): chr11-31802790-GC-G. GRCh37 (hg19) VCF-style: chr11-31824338-GC-G.
Other names: c.-355del (NM_001368899.2, NM_001368906.2, NM_001368907.2 and 1 more transcripts); c.54del, p.Arg19fs (NM_001368889.2, NM_001368890.2, NM_000280.6 and 30 more transcripts); c.-728del (NM_001310160.2, NM_001368905.2); c.-397del (NM_001310161.3, NM_001368908.2, NM_001368900.2 and 2 more transcripts); c.297del, p.Arg100fs (NM_001368910.2); c.57del, p.Arg20fs (NM_001368911.2); c.-686del (NM_001368902.2); c.-267-1015del (NM_001368909.2, NM_001368904.2); short protein forms R100fs, R19fs, R20fs.
Identifiers: ClinVar variation 1190713 (VCV001190713.3), dbSNP rs2135153182, ClinGen allele CA2499220929.